The following is an entry in ClinVar:

NM_000057.4(BLM):c.2629G>T (p.Asp877Tyr)

Gene: BLM (BLM RecQ like helicase; plus strand). Cytogenetic location: 15q26.1.
Variant type: single nucleotide variant.
Coding change: c.2629G>T on transcript NM_000057.4 (MANE Select); coding-DNA position 2629, G replaced by T.
Protein change: p.Asp877Tyr; replaces aspartic acid 877 with tyrosine.
Molecular consequence: missense variant.
Genome position (GRCh38, 1-based): chr15:90,782,895, G>T. VCF-style: chr15-90782895-G-T. GRCh37 (hg19) VCF-style: chr15-91326125-G-T.
Other names: c.2629G>T, p.Asp877Tyr (NM_001287246.2, NM_001287247.2); c.1504G>T, p.Asp502Tyr (NM_001287248.2); short protein forms D877Y, D502Y.
Identifiers: ClinVar variation 3007326 (VCV003007326.3), dbSNP rs2505495655, ClinGen allele CA393845752.

ClinVar aggregate classification (germline): Uncertain significance (1 of 4 stars; one submission).

Conditions:
Bloom syndrome (BLM). Also called: Bloom-Torre-Machacek syndrome. Identifiers: Orphanet 125, MedGen C0005859, MONDO:0008876, OMIM 210900.

Submission:

Labcorp Genetics (formerly Invitae), Labcorp
Classification: Uncertain significance for Bloom syndrome. Last evaluated: 2023-10-04. Review status: criteria provided, single submitter. Criteria: Invitae Variant Classification Sherloc (09022015). Collection method: clinical testing. Allele origin: germline.
Comment: This sequence change replaces aspartic acid, which is acidic and polar, with tyrosine, which is neutral and polar, at codon 877 of the BLM protein (p.Asp877Tyr). This variant is not present in population databases (gnomAD no frequency). This variant has not been reported in the literature in individuals affected with BLM-related conditions. Advanced modeling of protein sequence and biophysical properties (such as structural, functional, and spatial information, amino acid conservation, physicochemical variation, residue mobility, and thermodynamic stability) performed at Invitae indicates that this missense variant is expected to disrupt BLM protein function. Algorithms developed to predict the effect of sequence changes on RNA splicing suggest that this variant may disrupt the consensus splice site. In summary, the available evidence is currently insufficient to determine the role of this variant in disease. Therefore, it has been classified as a Variant of Uncertain Significance.